The following is an entry in ClinVar:

NM_001128840.3(CACNA1D):c.5831C>A (p.Pro1944His)

Gene: CACNA1D (calcium voltage-gated channel subunit alpha1 D; plus strand). Cytogenetic location: 3p21.1.
Variant type: single nucleotide variant.
Coding change: c.5831C>A on transcript NM_001128840.3 (MANE Select); coding-DNA position 5831, C replaced by A.
Protein change: p.Pro1944His; replaces proline 1944 with histidine.
Molecular consequence: missense variant.
Genome position (GRCh38, 1-based): chr3:53,808,730, C>A. VCF-style: chr3-53808730-C-A. GRCh37 (hg19) VCF-style: chr3-53842757-C-A.
Other names: c.5759C>A, p.Pro1920His (NM_001128839.3); c.5891C>A, p.Pro1964His (NM_000720.4); short protein forms P1944H, P1964H, P1920H.
Identifiers: ClinVar variation 2844179 (VCV002844179.3), dbSNP rs1414022329, ClinGen allele CA353256200.

ClinVar aggregate classification (germline): Uncertain significance (1 of 4 stars; one submission).

gnomAD v4.1: 5 of 1,608,890 alleles (0.00031%); highest among the groups gnomAD compares: Non-Finnish European, 0.00042%; no homozygotes.

Submission:

Labcorp Genetics (formerly Invitae), Labcorp
Classification: Uncertain significance. Last evaluated: 2023-03-08. Review status: criteria provided, single submitter. Criteria: Invitae Variant Classification Sherloc (09022015). Collection method: clinical testing. Allele origin: germline.
Comment: Algorithms developed to predict the effect of missense changes on protein structure and function output the following: SIFT: "Not Available"; PolyPhen-2: "Benign"; Align-GVGD: "Not Available". The histidine amino acid residue is found in multiple mammalian species, which suggests that this missense change does not adversely affect protein function. This variant has not been reported in the literature in individuals affected with CACNA1D-related conditions. This variant is not present in population databases (gnomAD no frequency). This sequence change replaces proline, which is neutral and non-polar, with histidine, which is basic and polar, at codon 1964 of the CACNA1D protein (p.Pro1964His). In summary, the available evidence is currently insufficient to determine the role of this variant in disease. Therefore, it has been classified as a Variant of Uncertain Significance.